The following is an entry in ClinVar:

ClinVar aggregate classification (germline): Likely benign (1 of 4 stars; one submission).

Conditions:
Catecholaminergic polymorphic ventricular tachycardia (CVPT). Also called: Catecholamine-induced polymorphic ventricular tachycardia. Identifiers: Orphanet 3286, MedGen C5574922, MONDO:0017990.

Submission:

All of Us Research Program, National Institutes of Health
Classification: Likely benign for Catecholaminergic polymorphic ventricular tachycardia. Last evaluated: 2023-11-20. Review status: criteria provided, single submitter. Criteria: ACMG Guidelines, 2015. Collection method: clinical testing. Allele origin: germline. Inheritance: Autosomal dominant inheritance. Observed: 1 variant allele, 1 heterozygote.
Comment: This study involves interpretation of variants in research participants for the purpose of population health screening. Participant phenotype was not available at the time of variant classification. Additional details can be found in publication PMID: 35346344, PMCID: PMC8962531

NM_001035.3(RYR2):c.13968A>G (p.Lys4656=)

Gene: RYR2 (ryanodine receptor 2; plus strand). Cytogenetic location: 1q43.
Variant type: single nucleotide variant.
Coding change: c.13968A>G on transcript NM_001035.3 (MANE Select); coding-DNA position 13968, A replaced by G.
Protein change: p.Lys4656=; no amino-acid change (lysine 4656 retained).
Molecular consequence: synonymous variant.
Genome position (GRCh38, 1-based): chr1:237,798,048, A>G. VCF-style: chr1-237798048-A-G. GRCh37 (hg19) VCF-style: chr1-237961348-A-G.
Identifiers: ClinVar variation 3074446 (VCV003074446.1), dbSNP rs2149404036, ClinGen allele CA423827627.